The following is an entry in ClinVar:

ClinVar aggregate classification (germline): Uncertain significance (1 of 4 stars; one submission).

Allele frequency attached by ClinVar (database versions not stated): TOPMed 0.00001; ExAC 0.00002; gnomAD exomes 0.00002.
gnomAD v4.1: 27 of 1,614,072 alleles (0.0017%); highest among the groups gnomAD compares: Middle Eastern, 0.049%; no homozygotes.

Submission:

Labcorp Genetics (formerly Invitae), Labcorp
Classification: Uncertain significance. Last evaluated: 2021-09-17. Review status: criteria provided, single submitter. Criteria: Invitae Variant Classification Sherloc (09022015). Collection method: clinical testing. Allele origin: germline.
Comment: This sequence change replaces isoleucine with valine at codon 175 of the ESCO2 protein (p.Ile175Val). The isoleucine residue is weakly conserved and there is a small physicochemical difference between isoleucine and valine. This variant is present in population databases (rs768132263, ExAC 0.01%). This variant has not been reported in the literature in individuals with ESCO2-related conditions. Algorithms developed to predict the effect of missense changes on protein structure and function output the following: SIFT: "Tolerated"; PolyPhen-2: "Benign"; Align-GVGD: "Class C0". The valine amino acid residue is found in multiple mammalian species, suggesting that this missense change does not adversely affect protein function. These predictions have not been confirmed by published functional studies and their clinical significance is uncertain. In summary, the available evidence is currently insufficient to determine the role of this variant in disease. Therefore, it has been classified as a Variant of Uncertain Significance.

NM_001017420.3(ESCO2):c.523A>G (p.Ile175Val)

Gene: ESCO2 (establishment of sister chromatid cohesion N-acetyltransferase 2; plus strand). Cytogenetic location: 8p21.1.
Variant type: single nucleotide variant.
Coding change: c.523A>G on transcript NM_001017420.3 (MANE Select); coding-DNA position 523, A replaced by G.
Protein change: p.Ile175Val; replaces isoleucine 175 with valine.
Molecular consequence: missense variant.
Genome position (GRCh38, 1-based): chr8:27,776,831, A>G. VCF-style: chr8-27776831-A-G. GRCh37 (hg19) VCF-style: chr8-27634348-A-G.
Other names: short protein forms I175V.
Identifiers: ClinVar variation 2202535 (VCV002202535.1), dbSNP rs768132263, ClinGen allele CA4692070.